The following is an entry in ClinVar:

NM_004840.3(ARHGEF6):c.1145A>T (p.Lys382Ile)

Gene: ARHGEF6 (Rac/Cdc42 guanine nucleotide exchange factor 6; minus strand). Cytogenetic location: Xq26.3.
Variant type: single nucleotide variant.
Coding change: c.1145A>T on transcript NM_004840.3 (MANE Select); coding-DNA position 1145, A replaced by T.
Protein change: p.Lys382Ile; replaces lysine 382 with isoleucine.
Molecular consequence: missense variant.
Genome position (GRCh38, 1-based): chrX:136,690,650, T>A on the plus strand (A>T on the coding strand, the complement: ARHGEF6 is on the minus strand). VCF-style: chrX-136690650-T-A. GRCh37 (hg19) VCF-style: chrX-135772809-T-A.
Other names: c.683A>T, p.Lys228Ile (NM_001306177.2); short protein forms K228I, K382I.
Identifiers: ClinVar variation 3389608 (VCV003389608.14).

ClinVar aggregate classification (germline): Uncertain significance (1 of 4 stars; one submission).

Submission:

CeGaT Center for Human Genetics Tuebingen
Classification: Uncertain significance. Last evaluated: 2024-09-01. Review status: criteria provided, single submitter. Criteria: CeGaT Center For Human Genetics Tuebingen Variant Classification Criteria Version 2. Collection method: clinical testing. Allele origin: germline. Affected: yes. Observed: 1 variant allele.
Comment: ARHGEF6: PM2